The following is an entry in ClinVar:

ClinVar aggregate classification (germline): Likely benign. Review status: criteria provided, multiple submitters, no conflicts (2 of 4 stars). 3 submissions from 3 submitters: Likely benign (3). Last evaluated 2026-07-31.

Conditions:
Hypermethioninemia with deficiency of S-adenosylhomocysteine hydrolase. Identifiers: Orphanet 88618, MedGen C3151058, MONDO:0013404, OMIM 613752.
AHCY-related disorder. Also called: AHCY-related condition.

Allele frequency attached by ClinVar (database versions not stated): gnomAD exomes 0.00005; ExAC 0.00014; ESP Exome Variant Server 0.00046; TOPMed 0.00065; gnomAD 0.00066.
gnomAD v4.1: 178 of 1,614,078 alleles (0.011%); highest among the groups gnomAD compares: African/African-American, 0.2%; no homozygotes.

Submissions (3):

PreventionGenetics, part of Exact Sciences
Classification: Likely benign for AHCY-related condition. Last evaluated: 2026-07-31. Review status: criteria provided, single submitter. Criteria: ACMG Guidelines, 2015. Collection method: clinical testing. Allele origin: germline.
Comment: This variant is classified as likely benign based on ACMG/AMP sequence variant interpretation guidelines (Richards et al. 2015 PMID: 25741868, with internal and published modifications).

Labcorp Genetics (formerly Invitae), Labcorp
Classification: Likely benign for Hypermethioninemia with deficiency of S-adenosylhomocysteine hydrolase. Last evaluated: 2025-12-17. Review status: criteria provided, single submitter. Criteria: Invitae Variant Classification Sherloc (09022015). Collection method: clinical testing. Allele origin: germline.

Breakthrough Genomics
Classification: Likely benign. Review status: criteria provided, single submitter. Criteria: ACMG Guidelines, 2015. Collection method: not provided. Allele origin: germline. Inheritance: Autosomal recessive inheritance. Affected: yes.

NM_000687.4(AHCY):c.1261T>C (p.Cys421Arg)

Gene: AHCY (adenosylhomocysteinase; minus strand). Cytogenetic location: 20q11.22.
Variant type: single nucleotide variant.
Coding change: c.1261T>C on transcript NM_000687.4 (MANE Select); coding-DNA position 1261, T replaced by C.
Protein change: p.Cys421Arg; replaces cysteine 421 with arginine.
Molecular consequence: missense variant.
Genome position (GRCh38, 1-based): chr20:34,281,072, A>G on the plus strand (T>C on the coding strand, the complement: AHCY is on the minus strand). VCF-style: chr20-34281072-A-G. GRCh37 (hg19) VCF-style: chr20-32868878-A-G.
Other names: c.1177T>C, p.Cys393Arg (NM_001161766.2, NM_001322084.2, NM_001322085.2); c.1267T>C, p.Cys423Arg (NM_001322086.2); c.1261T>C, p.Cys421Arg (NM_001362750.2); c.1261T>C (NM_000687.3); short protein forms C421R, C423R, C393R.
Identifiers: ClinVar variation 2060589 (VCV002060589.6), dbSNP rs142689206, ClinGen allele CA9820736.
Genomic context (GRCh38, chr20:34,281,072, plus strand): 5'-GGGTGAAACGCAGACCTGGCTCTCAGTAGCGGTAGTGATCCGGCTTGAAGGGGCCATCAC[A>G]GGACATGCCCAGGTACTGGGCTTGCTTCTCAGTTAGCTTGGTCAACTTCACATTCAGCTT-3'
Protein context (NP_000678.1, residues 411-431): EKQAQYLGMS[Cys421Arg]DGPFKPDHYR